The following is an entry in ClinVar:

ClinVar aggregate classification (germline): Uncertain significance (1 of 4 stars; one submission).

Conditions:
Aromatase deficiency. Also called: Increased aromatase activity; PSEUDOHERMAPHRODITISM, FEMALE, DUE TO PLACENTAL AROMATASE DEFICIENCY. Identifiers: Orphanet 91, MedGen C1960539, MONDO:0013301, OMIM 613546.

Submission:

Institute of Human Genetics, University of Goettingen
Classification: Uncertain significance for Aromatase deficiency. Last evaluated: 2025-01-06. Review status: criteria provided, single submitter. Criteria: ACMG Guidelines, 2015. Collection method: clinical testing. Allele origin: unknown. Inheritance: Autosomal recessive inheritance. Affected: yes.
Comment: PM2_sup (not found in gnomAD), PP3_mod (bioinformatic evaluation predicts an effect on splicing and the REVEL-score for the amino acid exchange is 0,79)

NM_000103.4(CYP19A1):c.953T>A (p.Met318Lys)

Genes: CYP19A1 (cytochrome P450 family 19 subfamily A member 1; minus strand), MIR4713HG (MIR4713 host gene; plus strand), PIRC66 (piwi-interacting RNA cluster 66; plus strand). Cytogenetic location: 15q21.2.
Variant type: single nucleotide variant.
Coding change: c.953T>A on transcript NM_000103.4 (MANE Select); coding-DNA position 953, T replaced by A.
Protein change: p.Met318Lys; replaces methionine 318 with lysine.
Molecular consequence: missense variant.
Genome position (GRCh38, 1-based): chr15:51,215,138, A>T on the plus strand (T>A on the coding strand, the complement: CYP19A1 is on the minus strand). VCF-style: chr15-51215138-A-T. GRCh37 (hg19) VCF-style: chr15-51507335-A-T.
Other names: c.953T>A, p.Met318Lys (NM_001347248.1, NM_001347249.2, NM_001347250.2 and 7 more transcripts); short protein forms M318K.
Identifiers: ClinVar variation 3601007 (VCV003601007.1).